The following is an entry in ClinVar:

ClinVar aggregate classification (germline): Uncertain significance (1 of 4 stars; one submission).

Conditions:
Primary familial hypertrophic cardiomyopathy (HCM). Identifiers: Orphanet 99739, MedGen C0949658, MeSH D024741, MONDO:0024573. Inheritance: Various modes of inheritance.
Dilated cardiomyopathy 1AA (CMD1AA). Also called: CARDIOMYOPATHY, DILATED, 1AA, WITH OR WITHOUT LEFT VENTRICULAR NONCOMPACTION; CARDIOMYOPATHY, FAMILIAL HYPERTROPHIC, 23, WITH OR WITHOUT LEFT VENTRICULAR NONCOMPACTION; Cardiomyopathy, dilated, 1AA, with or without LVNC. Identifiers: Orphanet 154, MedGen C2677338, MONDO:0012808, OMIM 612158.

gnomAD v4.1: 1 of 1,614,066 alleles (0.000062%); highest among the groups gnomAD compares: Non-Finnish European, 0.000085%; no homozygotes.

Submission:

Labcorp Genetics (formerly Invitae), Labcorp
Classification: Uncertain significance for Primary familial hypertrophic cardiomyopathy; Dilated cardiomyopathy 1AA. Last evaluated: 2023-08-29. Review status: criteria provided, single submitter. Criteria: Invitae Variant Classification Sherloc (09022015). Collection method: clinical testing. Allele origin: germline.
Comment: This variant has not been reported in the literature in individuals affected with ACTN2-related conditions. In summary, the available evidence is currently insufficient to determine the role of this variant in disease. Therefore, it has been classified as a Variant of Uncertain Significance. Algorithms developed to predict the effect of sequence changes on RNA splicing suggest that this variant may create or strengthen a splice site. This variant is not present in population databases (gnomAD no frequency). This sequence change falls in intron 5 of the ACTN2 gene. It does not directly change the encoded amino acid sequence of the ACTN2 protein.

NM_001103.4(ACTN2):c.537-11C>G

Gene: ACTN2 (actinin alpha 2; plus strand). Cytogenetic location: 1q43.
Variant type: single nucleotide variant.
Coding change: c.537-11C>G on transcript NM_001103.4 (MANE Select); 11 bases into the intron before coding-DNA position 537, C replaced by G.
Molecular consequence: intron variant.
Genome position (GRCh38, 1-based): chr1:236,727,667, C>G. VCF-style: chr1-236727667-C-G. GRCh37 (hg19) VCF-style: chr1-236890967-C-G.
Other names: c.537-11C>G (NM_001278343.2).
Identifiers: ClinVar variation 2951406 (VCV002951406.3), dbSNP rs367744285, ClinGen allele CA2651179126.